The following is an entry in ClinVar:

NM_000368.5(TSC1):c.1467del (p.Thr490fs)

Gene: TSC1 (TSC complex subunit 1; minus strand). Cytogenetic location: 9q34.13.
Variant type: Deletion.
Coding change: c.1467del on transcript NM_000368.5 (MANE Select); coding-DNA position 1467, one base deleted (C; older notation c.1467delC).
Protein change: p.Thr490fs; shifts the reading frame from threonine 490.
Molecular consequence: frameshift variant.
Genome position (GRCh38, 1-based): chr9:132,906,111, G deleted on the plus strand (C on the coding strand, the reverse complement: TSC1 is on the minus strand). VCF-style (leftmost placement, unchanged base first): chr9-132906110-TG-T. GRCh37 (hg19) VCF-style: chr9-135781497-TG-T.
Other names: c.1467delC, p.Thr490Profs (NM_001406594.1, NM_001406601.1, NM_001406595.1 and 7 more transcripts); c.1464delC, p.Thr489Profs (NM_001406597.1, NM_001406598.1, NM_001406599.1 and 5 more transcripts); c.1464del, p.Thr489fs (NM_001162426.2); c.1314del, p.Thr439fs (NM_001162427.2); c.1104del, p.Thr369fs (NM_001362177.2); c.1314delC, p.Thr439Profs (NM_001406610.1); c.1311delC, p.Thr438Profs (NM_001406611.1, NM_001406612.1, NM_001406613.1); c.1104delC, p.Thr369Profs (NM_001406614.1, NM_001406615.1, NM_001406616.1 and 4 more transcripts); and 4 more; short protein forms T489fs, T490fs, T369fs, T439fs.
Identifiers: ClinVar variation 1773279 (VCV001773279.2), dbSNP rs2538747859, ClinGen allele CA2580079951.
Genomic context (GRCh38, chr9:132,906,110, plus strand): 5'-CTCGGTAAAAGGGAGAGTCAAAGCCTCCTCGAGGAACCACAGGCTCTGCCTCTGCTGTGG[TG>T]ATCTCAGAAAGTTCTCTAGATATTGCAGCTGAGAGGAAGAGAGGAAACAAAAGAAATGGC-3'

ClinVar aggregate classification (germline): Pathogenic (1 of 4 stars; one submission).

Conditions:
Hereditary cancer-predisposing syndrome. Also called: Hereditary Cancer Syndrome; Hereditary neoplastic syndrome; Neoplastic Syndromes, Hereditary; Tumor predisposition. Identifiers: Orphanet 140162, MedGen C0027672, MeSH D009386, MONDO:0015356.

Submission:

Ambry Genetics
Classification: Pathogenic for Hereditary cancer-predisposing syndrome. Last evaluated: 2019-05-24. Review status: criteria provided, single submitter. Criteria: Ambry Variant Classification Scheme 2023. Collection method: clinical testing. Allele origin: germline.
Comment: The c.1467delC pathogenic mutation, located in coding exon 13 of the TSC1 gene, results from a deletion of one nucleotide at nucleotide position 1467, causing a translational frameshift with a predicted alternate stop codon (p.T490Pfs*42). This alteration is expected to result in loss of function by premature protein truncation or nonsense-mediated mRNA decay. As such, this alteration is interpreted as a disease-causing mutation.